The following is an entry in ClinVar:

NM_003000.3(SDHB):c.745T>G (p.Cys249Gly)

Gene: SDHB (succinate dehydrogenase complex iron sulfur subunit B; minus strand). Cytogenetic location: 1p36.13.
Variant type: single nucleotide variant.
Coding change: c.745T>G on transcript NM_003000.3 (MANE Select); coding-DNA position 745, T replaced by G.
Protein change: p.Cys249Gly; replaces cysteine 249 with glycine.
Molecular consequence: missense variant.
Genome position (GRCh38, 1-based): chr1:17,022,628, A>C on the plus strand (T>G on the coding strand, the complement: SDHB is on the minus strand). VCF-style: chr1-17022628-A-C. GRCh37 (hg19) VCF-style: chr1-17349123-A-C.
Other names: c.691T>G, p.Cys231Gly (NM_001407361.1); short protein forms C231G, C249G.
Identifiers: ClinVar variation 3759015 (VCV003759015.2).

ClinVar aggregate classification (germline): Uncertain significance (1 of 4 stars; one submission).

Conditions:
Pheochromocytoma. Also called: MAX-Related Hereditary Paraganglioma-Pheochromocytoma Syndrome. Identifiers: Orphanet 29072, MedGen C0031511, MONDO:0008233, OMIM 171300, HP:0002666.
Pheochromocytoma/paraganglioma syndrome 4. Also called: CAROTID BODY TUMORS AND MULTIPLE EXTRAADRENAL PHEOCHROMOCYTOMAS; PARAGANGLIOMA, FAMILIAL MALIGNANT; PARAGANGLIOMAS, HEREDITARY EXTRAADRENAL; PHEOCHROMOCYTOMA, FAMILIAL EXTRAADRENAL; Paragangliomas 4; SDHB-Related Hereditary Paraganglioma-Pheochromocytoma Syndrome (Paragangliomas 4). Identifiers: Orphanet 29072, MedGen C1861848, MONDO:0007273, OMIM 115310.
Gastrointestinal stromal tumor. Also called: Gastrointestinal stromal tumor, somatic; Gastrointestinal stroma tumor. Identifiers: Orphanet 44890, MedGen C0238198, MeSH D046152, MONDO:0011719, OMIM 606764, HP:0100723.

Submission:

Labcorp Genetics (formerly Invitae), Labcorp
Classification: Uncertain significance for Gastrointestinal stromal tumor; Pheochromocytoma/paraganglioma syndrome 4; Pheochromocytoma. Last evaluated: 2024-02-18. Review status: criteria provided, single submitter. Criteria: Invitae Variant Classification Sherloc (09022015). Collection method: clinical testing. Allele origin: germline.
Comment: This sequence change replaces cysteine, which is neutral and slightly polar, with glycine, which is neutral and non-polar, at codon 249 of the SDHB protein (p.Cys249Gly). This variant is not present in population databases (gnomAD no frequency). This missense change has been observed in individual(s) with clinical features of SDHB-related conditions and/or metastatic paraganglioma (PMID: 19454582; Invitae). Advanced modeling of protein sequence and biophysical properties (such as structural, functional, and spatial information, amino acid conservation, physicochemical variation, residue mobility, and thermodynamic stability) performed at Invitae indicates that this missense variant is expected to disrupt SDHB protein function with a positive predictive value of 80%. In summary, the available evidence is currently insufficient to determine the role of this variant in disease. Therefore, it has been classified as a Variant of Uncertain Significance.

Literature cited by the submitters: PubMed 19454582.